The following is an entry in ClinVar:

ClinVar aggregate classification (germline): Uncertain significance (1 of 4 stars; one submission).

Conditions:
Early-infantile DEE. Also called: Ohtahara syndrome; Early infantile epileptic encephalopathy; Early infantile epileptic encephalopathy with suppression bursts. Identifiers: Orphanet 1934, MedGen C0393706, MONDO:0800491.

gnomAD v4.1: 2 of 1,613,860 alleles (0.00012%); highest among the groups gnomAD compares: Admixed American, 0.0033%; no homozygotes.

Submission:

Labcorp Genetics (formerly Invitae), Labcorp
Classification: Uncertain significance for Early-infantile DEE. Last evaluated: 2025-06-27. Review status: criteria provided, single submitter. Criteria: Invitae Variant Classification Sherloc (09022015). Collection method: clinical testing. Allele origin: germline.
Comment: This sequence change replaces isoleucine, which is neutral and non-polar, with valine, which is neutral and non-polar, at codon 759 of the SCN8A protein (p.Ile759Val). This variant is present in population databases (no rsID available, gnomAD 0.003%). This variant has not been reported in the literature in individuals affected with SCN8A-related conditions. Invitae Evidence Modeling of protein sequence and biophysical properties (such as structural, functional, and spatial information, amino acid conservation, physicochemical variation, residue mobility, and thermodynamic stability) has been performed for this missense variant. However, the output from this modeling did not meet the statistical confidence thresholds required to predict the impact of this variant on SCN8A protein function. In summary, the available evidence is currently insufficient to determine the role of this variant in disease. Therefore, it has been classified as a Variant of Uncertain Significance.

NM_001330260.2(SCN8A):c.2275A>G (p.Ile759Val)

Gene: SCN8A (sodium voltage-gated channel alpha subunit 8; plus strand). Cytogenetic location: 12q13.13.
Variant type: single nucleotide variant.
Coding change: c.2275A>G on transcript NM_001330260.2 (MANE Select); coding-DNA position 2275, A replaced by G.
Protein change: p.Ile759Val; replaces isoleucine 759 with valine.
Molecular consequence: missense variant.
Genome position (GRCh38, 1-based): chr12:51,751,498, A>G. VCF-style: chr12-51751498-A-G. GRCh37 (hg19) VCF-style: chr12-52145282-A-G.
Other names: c.2275A>G, p.Ile759Val (NM_001177984.3, NM_001369788.1, NM_014191.4); short protein forms I759V.
Identifiers: ClinVar variation 4798262 (VCV004798262.1).